The following is an entry in ClinVar:

ClinVar aggregate classification (germline): Uncertain significance. Review status: criteria provided, multiple submitters, no conflicts (2 of 4 stars). 2 submissions from 2 submitters: Uncertain significance (2). Last evaluated 2025-02-26.

Conditions:
Inborn genetic diseases. Identifiers: MedGen C0950123, MeSH D030342.

Allele frequency attached by ClinVar (database versions not stated): gnomAD 0.00001.
gnomAD v4.1: 11 of 1,613,622 alleles (0.00068%); highest among the groups gnomAD compares: South Asian, 0.0022%; 1 homozygote.

Submissions (2):

Labcorp Genetics (formerly Invitae), Labcorp
Classification: Uncertain significance. Last evaluated: 2025-02-26. Review status: criteria provided, single submitter. Criteria: Invitae Variant Classification Sherloc (09022015). Collection method: clinical testing. Allele origin: germline.
Comment: This sequence change replaces arginine, which is basic and polar, with cysteine, which is neutral and slightly polar, at codon 116 of the DCHS1 protein (p.Arg116Cys). This variant is present in population databases (no rsID available, gnomAD 0.0009%). This variant has not been reported in the literature in individuals affected with DCHS1-related conditions. ClinVar contains an entry for this variant (Variation ID: 2623910). Invitae Evidence Modeling of protein sequence and biophysical properties (such as structural, functional, and spatial information, amino acid conservation, physicochemical variation, residue mobility, and thermodynamic stability) indicates that this missense variant is not expected to disrupt DCHS1 protein function with a negative predictive value of 95%. In summary, the available evidence is currently insufficient to determine the role of this variant in disease. Therefore, it has been classified as a Variant of Uncertain Significance.

Ambry Genetics
Classification: Uncertain significance for Inborn genetic diseases. Last evaluated: 2023-09-14. Review status: criteria provided, single submitter. Criteria: Ambry Variant Classification Scheme 2023. Collection method: clinical testing. Allele origin: germline.

NM_003737.4(DCHS1):c.346C>T (p.Arg116Cys)

Gene: DCHS1 (dachsous cadherin-related 1; minus strand). Cytogenetic location: 11p15.4.
Variant type: single nucleotide variant.
Coding change: c.346C>T on transcript NM_003737.4 (MANE Select); coding-DNA position 346, C replaced by T.
Protein change: p.Arg116Cys; replaces arginine 116 with cysteine.
Molecular consequence: missense variant.
Genome position (GRCh38, 1-based): chr11:6,641,268, G>A on the plus strand (C>T on the coding strand, the complement: DCHS1 is on the minus strand). VCF-style: chr11-6641268-G-A. GRCh37 (hg19) VCF-style: chr11-6662499-G-A.
Other names: short protein forms R116C.
Identifiers: ClinVar variation 2623910 (VCV002623910.3), dbSNP rs892178424, ClinGen allele CA217303562.